The following is an entry in ClinVar:

NM_001365902.3(NFIX):c.889G>A (p.Gly297Arg)

Gene: NFIX (nuclear factor I X; plus strand). Cytogenetic location: 19p13.13.
Variant type: single nucleotide variant.
Coding change: c.889G>A on transcript NM_001365902.3 (MANE Select); coding-DNA position 889, G replaced by A.
Protein change: p.Gly297Arg; replaces glycine 297 with arginine.
Molecular consequence: missense variant.
Genome position (GRCh38, 1-based): chr19:13,075,605, G>A. VCF-style: chr19-13075605-G-A. GRCh37 (hg19) VCF-style: chr19-13186419-G-A.
Other names: c.913G>A, p.Gly305Arg (NM_001271043.2); c.865G>A, p.Gly289Arg (NM_001271044.3, NM_001378404.1); c.889G>A, p.Gly297Arg (NM_001365982.2, NM_002501.4); c.748G>A, p.Gly250Arg (NM_001365983.2); c.886G>A, p.Gly296Arg (NM_001365984.2, NM_001365985.2); c.937G>A, p.Gly313Arg (NM_001378405.1); short protein forms G250R, G289R, G297R, G305R, G296R, G313R.
Identifiers: ClinVar variation 2458769 (VCV002458769.6), dbSNP rs1568318723, ClinGen allele CA404297944.

ClinVar aggregate classification (germline): Uncertain significance. Review status: criteria provided, multiple submitters, no conflicts (2 of 4 stars). 3 submissions from 3 submitters: Uncertain significance (3). Last evaluated 2024-04-30.

Conditions:
Marshall-Smith syndrome (MRSHSS). Identifiers: Orphanet 561, MedGen C0265211, MONDO:0011244, OMIM 602535.
Malan overgrowth syndrome (MALNS). Also called: MALAN SYNDROME; NFIX-Related Malan Syndrome; Sotos syndrome 2. Identifiers: Orphanet 420179, MedGen C3553660, MONDO:0013885, OMIM 614753.
Inborn genetic diseases. Identifiers: MedGen C0950123, MeSH D030342.

Allele frequency attached by ClinVar (database versions not stated): gnomAD exomes below 0.00001.
gnomAD v4.1: 6 of 1,613,590 alleles (0.00037%); highest among the groups gnomAD compares: Non-Finnish European, 0.00051%; no homozygotes.

Submissions (3):

Women's Health and Genetics/Laboratory Corporation of America, LabCorp
Classification: Uncertain significance. Last evaluated: 2024-04-30. Review status: criteria provided, single submitter. Criteria: LabCorp Variant Classification Summary - May 2015. Collection method: clinical testing. Allele origin: germline.
Comment: Variant summary: NFIX c.889G>A (p.Gly297Arg) results in a non-conservative amino acid change in the encoded protein sequence. Four of five in-silico tools predict a damaging effect of the variant on protein function. The variant was absent in 247654 control chromosomes. The available data on variant occurrences in the general population are insufficient to allow any conclusion about variant significance. To our knowledge, no occurrence of c.889G>A in individuals affected with Sotos Syndrome 2 and no experimental evidence demonstrating its impact on protein function have been reported. ClinVar contains an entry for this variant (Variation ID: 2458769). Based on the evidence outlined above, the variant was classified as uncertain significance.

Labcorp Genetics (formerly Invitae), Labcorp
Classification: Uncertain significance for Malan overgrowth syndrome; Marshall-Smith syndrome. Last evaluated: 2024-02-06. Review status: criteria provided, single submitter. Criteria: Invitae Variant Classification Sherloc (09022015). Collection method: clinical testing. Allele origin: germline.
Comment: This sequence change replaces glycine, which is neutral and non-polar, with arginine, which is basic and polar, at codon 305 of the NFIX protein (p.Gly305Arg). This variant is not present in population databases (gnomAD no frequency). This variant has not been reported in the literature in individuals affected with NFIX-related conditions. ClinVar contains an entry for this variant (Variation ID: 2458769). Experimental studies and prediction algorithms are not available or were not evaluated, and the functional significance of this variant is currently unknown. In summary, the available evidence is currently insufficient to determine the role of this variant in disease. Therefore, it has been classified as a Variant of Uncertain Significance.

Ambry Genetics
Classification: Uncertain significance for Inborn genetic diseases. Last evaluated: 2023-02-15. Review status: criteria provided, single submitter. Criteria: Ambry Variant Classification Scheme 2023. Collection method: clinical testing. Allele origin: germline.